The following is an entry in ClinVar:

NM_000127.3(EXT1):c.1911C>A (p.Tyr637Ter)

Gene: EXT1 (exostosin glycosyltransferase 1; minus strand). Cytogenetic location: 8q24.11.
Variant type: single nucleotide variant.
Coding change: c.1911C>A on transcript NM_000127.3 (MANE Select); coding-DNA position 1911, C replaced by A.
Protein change: p.Tyr637Ter; replaces tyrosine 637 with a stop codon.
Molecular consequence: nonsense.
Genome position (GRCh38, 1-based): chr8:117,804,866, G>T on the plus strand (C>A on the coding strand, the complement: EXT1 is on the minus strand). VCF-style: chr8-117804866-G-T. GRCh37 (hg19) VCF-style: chr8-118817105-G-T.
Other names: short protein forms Y637*.
Identifiers: ClinVar variation 648749 (VCV000648749.11), dbSNP rs1586989220, ClinGen allele CA371877624.

ClinVar aggregate classification (germline): Pathogenic. Review status: criteria provided, multiple submitters, no conflicts (2 of 4 stars). 2 submissions from 2 submitters: Pathogenic (2). Last evaluated 2018-12-09.

Conditions:
Multiple congenital exostosis (EXT). Also called: Multiple osteochondromas; Hereditary multiple osteochondromas; Hereditary multiple exostoses; Hereditary multiple exostosis; MULTIPLE CARTILAGINOUS EXOSTOSES; Multiple exostoses. Identifiers: Orphanet 321, MedGen C0015306, MONDO:0005508, HP:0002762.

Submissions (2):

Labcorp Genetics (formerly Invitae), Labcorp
Classification: Pathogenic for Multiple congenital exostosis. Last evaluated: 2018-12-09. Review status: criteria provided, single submitter. Criteria: Invitae Variant Classification Sherloc (09022015). Collection method: clinical testing. Allele origin: germline.
Comment: This sequence change creates a premature translational stop signal (p.Tyr637*) in the EXT1 gene. It is expected to result in an absent or disrupted protein product. This variant is not present in population databases (ExAC no frequency). This variant has been observed in individuals with multiple osteochondromas (PMID: 29126381, Invitae). A different variant (c.1911C>G) giving rise to the same protein effect observed here (p.Tyr637*) has been determined to be pathogenic (PMID: 29529714). Loss-of-function variants in EXT1 are known to be pathogenic (PMID: 10679937, 11391482, 19810120). For these reasons, this variant has been classified as Pathogenic.

Department of Laboratory Medicine, Fuzhou Second Hospital Affiliated to Xiamen University
Classification: Pathogenic for Exostoses, multiple, type 1. Review status: criteria provided, single submitter. Criteria: ACMG Guidelines, 2015. Collection method: research. Allele origin: inherited. Inheritance: Autosomal dominant inheritance. Affected: yes. Observed: 2 variant alleles, 2 heterozygotes.

Literature cited by the submitters: PubMed 29126381 (cited by Labcorp Genetics (formerly Invitae), Labcorp); PubMed 29529714 (cited by Labcorp Genetics (formerly Invitae), Labcorp); PubMed 10679937 (cited by Labcorp Genetics (formerly Invitae), Labcorp); PubMed 11391482 (cited by Labcorp Genetics (formerly Invitae), Labcorp); PubMed 19810120 (cited by Labcorp Genetics (formerly Invitae), Labcorp).